The following is an entry in ClinVar:

ClinVar aggregate classification (germline): Uncertain significance. Review status: criteria provided, multiple submitters, no conflicts (2 of 4 stars). 3 submissions from 3 submitters: Uncertain significance (3). Last evaluated 2026-07-01.

Conditions:
MOGS-congenital disorder of glycosylation. Also called: MOGS-CDG; CDG IIb; GLUCOSIDASE I DEFICIENCY; CDG 2B. Identifiers: Orphanet 79330, MedGen C1853736, MONDO:0011629, OMIM 606056.

Allele frequency attached by ClinVar (database versions not stated): gnomAD exomes 0.00015; ESP Exome Variant Server 0.00016; gnomAD 0.00019; TOPMed 0.00023.

Submissions (3):

CeGaT Center for Human Genetics Tuebingen
Classification: Uncertain significance. Last evaluated: 2026-07-01. Review status: criteria provided, single submitter. Criteria: CeGaT Center For Human Genetics Tuebingen Variant Classification Criteria Version 2. Collection method: clinical testing. Allele origin: germline. Affected: yes. Observed: 1 variant allele.
Comment: MOGS: PM2, BP4

Labcorp Genetics (formerly Invitae), Labcorp
Classification: Uncertain significance for MOGS-congenital disorder of glycosylation. Last evaluated: 2023-12-30. Review status: criteria provided, single submitter. Criteria: Invitae Variant Classification Sherloc (09022015). Collection method: clinical testing. Allele origin: germline.
Comment: This sequence change replaces arginine, which is basic and polar, with glutamine, which is neutral and polar, at codon 495 of the MOGS protein (p.Arg495Gln). This variant is present in population databases (rs34075781, gnomAD 0.06%). This variant has not been reported in the literature in individuals affected with MOGS-related conditions. ClinVar contains an entry for this variant (Variation ID: 534242). Advanced modeling of protein sequence and biophysical properties (such as structural, functional, and spatial information, amino acid conservation, physicochemical variation, residue mobility, and thermodynamic stability) performed at Invitae indicates that this missense variant is not expected to disrupt MOGS protein function with a negative predictive value of 80%. In summary, the available evidence is currently insufficient to determine the role of this variant in disease. Therefore, it has been classified as a Variant of Uncertain Significance.

GeneDx
Classification: Uncertain significance. Last evaluated: 2023-04-21. Review status: criteria provided, single submitter. Criteria: GeneDx Variant Classification Process June 2021. Collection method: clinical testing. Allele origin: germline. Affected: yes.
Comment: In silico analysis supports that this missense variant does not alter protein structure/function; Reported as a single heterozygous variant in a patient from a cohort of individuals diagnosed with CVID (PMID 33859323); This variant is associated with the following publications: (PMID: 36681659, 33859323)

NM_006302.3(MOGS):c.1484G>A (p.Arg495Gln)

Gene: MOGS (mannosyl-oligosaccharide glucosidase; minus strand). Cytogenetic location: 2p13.1.
Variant type: single nucleotide variant.
Coding change: c.1484G>A on transcript NM_006302.3 (MANE Select); coding-DNA position 1484, G replaced by A.
Protein change: p.Arg495Gln; replaces arginine 495 with glutamine.
Molecular consequence: missense variant.
Genome position (GRCh38, 1-based): chr2:74,462,305, C>T on the plus strand (G>A on the coding strand, the complement: MOGS is on the minus strand). VCF-style: chr2-74462305-C-T. GRCh37 (hg19) VCF-style: chr2-74689432-C-T.
Other names: c.1166G>A, p.Arg389Gln (NM_001146158.2); c.1484G>A, p.Arg495Gln (LRG_1226t1); short protein forms R495Q, R389Q.
Identifiers: ClinVar variation 534242 (VCV000534242.9), dbSNP rs34075781, ClinGen allele CA1724779.
Genomic context (GRCh38, chr2:74,462,305, plus strand): 5'-AGGGTTGGGGGGTTGGCGTGGACTGCTCGTTGTACTAGGAATTCTGGAGGCACCCGGGCT[C>T]GGGCCTCATCCCCCAGTATCTGCTCCCTCCCAATCCAGCCATCAGCATTTAGCAGCCCCA-3'
Protein context (NP_006293.2, residues 485-505): GREQILGDEA[Arg495Gln]ARVPPEFLVQ